The following is an entry in ClinVar:

NM_004655.4(AXIN2):c.761C>G (p.Thr254Ser)

Gene: AXIN2 (axin 2; minus strand). Cytogenetic location: 17q24.1.
Variant type: single nucleotide variant.
Coding change: c.761C>G on transcript NM_004655.4 (MANE Select); coding-DNA position 761, C replaced by G.
Protein change: p.Thr254Ser; replaces threonine 254 with serine.
Molecular consequence: missense variant.
Genome position (GRCh38, 1-based): chr17:65,557,860, G>C on the plus strand (C>G on the coding strand, the complement: AXIN2 is on the minus strand). VCF-style: chr17-65557860-G-C. GRCh37 (hg19) VCF-style: chr17-63553978-G-C.
Other names: c.761C>G, p.Thr254Ser (NM_001363813.1); short protein forms T254S.
Identifiers: ClinVar variation 3980958 (VCV003980958.1).

ClinVar aggregate classification (germline): Uncertain significance (1 of 4 stars; one submission).

Conditions:
Hereditary cancer-predisposing syndrome. Also called: Tumor predisposition; Hereditary neoplastic syndrome; Neoplastic Syndromes, Hereditary; Hereditary Cancer Syndrome. Identifiers: Orphanet 140162, MedGen C0027672, MeSH D009386, MONDO:0015356.

Submission:

Ambry Genetics
Classification: Uncertain significance for Hereditary cancer-predisposing syndrome. Last evaluated: 2025-04-13. Review status: criteria provided, single submitter. Criteria: Ambry Variant Classification Scheme 2023. Collection method: clinical testing. Allele origin: germline.
Comment: The p.T254S variant (also known as c.761C>G), located in coding exon 1 of the AXIN2 gene, results from a C to G substitution at nucleotide position 761. The threonine at codon 254 is replaced by serine, an amino acid with similar properties. This amino acid position is conserved. In addition, this alteration is predicted to be tolerated by in silico analysis. Based on the available evidence, the clinical significance of this variant remains unclear.